The following is an entry in ClinVar:

NM_001290043.2(TAP2):c.1A>G (p.Met1Val)

Gene: TAP2 (transporter 2, ATP binding cassette subfamily B member; minus strand). Cytogenetic location: 6p21.32.
Variant type: single nucleotide variant.
Coding change: c.1A>G on transcript NM_001290043.2 (MANE Select); coding-DNA position 1, A replaced by G.
Protein change: p.Met1Val; changes the start codon (methionine 1).
Molecular consequence: missense variant, initiator codon variant.
Genome position (GRCh38, 1-based): chr6:32,838,233, T>C on the plus strand (A>G on the coding strand, the complement: TAP2 is on the minus strand). VCF-style: chr6-32838233-T-C. GRCh37 (hg19) VCF-style: chr6-32806010-T-C.
Other names: c.1A>G, p.Met1Val (NM_000544.3, NM_018833.3); short protein forms M1V.
Identifiers: ClinVar variation 1524929 (VCV001524929.3), dbSNP rs775391251, ClinGen allele CA3746245.

ClinVar aggregate classification (germline): Uncertain significance (1 of 4 stars; one submission).

Conditions:
MHC class I deficiency. Identifiers: Orphanet 34592, MedGen C6024714, MONDO:0011476.

Submission:

Labcorp Genetics (formerly Invitae), Labcorp
Classification: Uncertain significance for MHC class I deficiency 1. Last evaluated: 2021-10-13. Review status: criteria provided, single submitter. Criteria: Invitae Variant Classification Sherloc (09022015). Collection method: clinical testing. Allele origin: germline.
Comment: This sequence change affects the initiator methionine of the TAP2 mRNA. The next in-frame methionine is located at codon 138. This variant is present in population databases (rs775391251, ExAC 0.03%). This variant has not been reported in the literature in individuals affected with TAP2-related conditions. Algorithms developed to predict the effect of sequence changes on RNA splicing suggest that this variant may create or strengthen a splice site. In summary, the available evidence is currently insufficient to determine the role of this variant in disease. Therefore, it has been classified as a Variant of Uncertain Significance.